The following is an entry in ClinVar:

NC_000002.11:g.(?_62053590)_(62069515_?)del

Gene: FAM161A (FAM161 centrosomal protein A; minus strand). Cytogenetic location: 2p15.
Variant type: Deletion.
Identifiers: ClinVar variation 2423965 (VCV002423965.4).

ClinVar aggregate classification (germline): Pathogenic (1 of 4 stars; one submission).

Submission:

Labcorp Genetics (formerly Invitae), Labcorp
Classification: Pathogenic. Last evaluated: 2021-11-19. Review status: criteria provided, single submitter. Criteria: Invitae Variant Classification Sherloc (09022015). Collection method: clinical testing. Allele origin: germline.
Comment: For these reasons, this variant has been classified as Pathogenic. The region of the FAM161A gene that includes exon(s) 6-7 has been determined to be clinically significant (Invitae). Therefore, deletions that encompass that region are likely to be disease-causing. This variant has not been reported in the literature in individuals affected with FAM161A-related conditions. This variant is a gross deletion of the genomic region encompassing exon(s) 2-7 of the FAM161A gene, which includes the termination codon. This deletion extends beyond the assayed region for this gene and therefore may encompass additional genes. While this deletion is not anticipated to lead to nonsense mediated decay, it is expected to alter mRNA translation or result in a truncated protein product.